The following is an entry in ClinVar:

NM_015512.5(DNAH1):c.4448G>A (p.Arg1483His)

Gene: DNAH1 (dynein axonemal heavy chain 1; plus strand). Cytogenetic location: 3p21.1.
Variant type: single nucleotide variant.
Coding change: c.4448G>A on transcript NM_015512.5 (MANE Select); coding-DNA position 4448, G replaced by A.
Protein change: p.Arg1483His; replaces arginine 1483 with histidine.
Molecular consequence: missense variant.
Genome position (GRCh38, 1-based): chr3:52,359,956, G>A. VCF-style: chr3-52359956-G-A. GRCh37 (hg19) VCF-style: chr3-52393972-G-A.
Other names: short protein forms R1483H.
Identifiers: ClinVar variation 3758096 (VCV003758096.2).

ClinVar aggregate classification (germline): Uncertain significance (1 of 4 stars; one submission).

Conditions:
Spermatogenic failure 18. Identifiers: MedGen C4539783, MONDO:0054615, OMIM 617576.
Ciliary dyskinesia, primary, 37 (CILD37). Also called: CILIARY DYSKINESIA, PRIMARY, 37, WITH OR WITHOUT SITUS INVERSUS. Identifiers: MedGen C4539798, MONDO:0033204, OMIM 617577.

gnomAD v4.1: 63 of 1,613,758 alleles (0.0039%); highest among the groups gnomAD compares: African/African-American, 0.0093%; no homozygotes.

Submission:

Labcorp Genetics (formerly Invitae), Labcorp
Classification: Uncertain significance for Ciliary dyskinesia, primary, 37; Spermatogenic failure 18. Last evaluated: 2024-03-16. Review status: criteria provided, single submitter. Criteria: Invitae Variant Classification Sherloc (09022015). Collection method: clinical testing. Allele origin: germline.
Comment: This sequence change replaces arginine, which is basic and polar, with histidine, which is basic and polar, at codon 1483 of the DNAH1 protein (p.Arg1483His). This variant is present in population databases (rs770184005, gnomAD 0.004%). This variant has not been reported in the literature in individuals affected with DNAH1-related conditions. Advanced modeling of protein sequence and biophysical properties (such as structural, functional, and spatial information, amino acid conservation, physicochemical variation, residue mobility, and thermodynamic stability) performed at Invitae indicates that this missense variant is not expected to disrupt DNAH1 protein function with a negative predictive value of 80%. In summary, the available evidence is currently insufficient to determine the role of this variant in disease. Therefore, it has been classified as a Variant of Uncertain Significance.